The following is an entry in ClinVar:

ClinVar aggregate classification (germline): Likely pathogenic. Review status: criteria provided, single submitter (1 of 4 stars). 2 submissions from 2 submitters: Likely pathogenic (1). 1 of the submissions does not count toward it. Last evaluated 2026-01-12.

Conditions:
Neuronal ceroid lipofuscinosis 2. Also called: TPP1-Related Neuronal Ceroid-Lipofuscinosis; JANSKY-BIELSCHOWSKY DISEASE NEURONAL CEROID LIPOFUSCINOSIS, LATE INFANTILE. Identifiers: Orphanet 168491, Orphanet 228349, Orphanet 79264, MedGen C1876161, MONDO:0008769, OMIM 204500.

Submissions (2):

Labcorp Genetics (formerly Invitae), Labcorp
Classification: Likely pathogenic. Last evaluated: 2026-01-12. Review status: criteria provided, single submitter. Criteria: Invitae Variant Classification Sherloc (09022015). Collection method: clinical testing. Allele origin: germline.
Comment: This sequence change affects a donor splice site in intron 9 of the TPP1 gene. It is expected to disrupt RNA splicing. Variants that disrupt the donor or acceptor splice site typically lead to a loss of protein function (PMID: 16199547), and loss-of-function variants in TPP1 are known to be pathogenic (PMID: 10330339). This variant is not present in population databases (gnomAD no frequency). Disruption of this splice site has been observed in individual(s) with epilepsy (PMID: 31440721). ClinVar contains an entry for this variant (Variation ID: 370180). Algorithms developed to predict the effect of sequence changes on RNA splicing suggest that this variant may disrupt the consensus splice site. In summary, the currently available evidence indicates that the variant is pathogenic, but additional data are needed to prove that conclusively. Therefore, this variant has been classified as Likely Pathogenic.

Counsyl
Classification: Likely pathogenic for Neuronal ceroid lipofuscinosis 2. Last evaluated: 2015-12-09. Review status: no assertion criteria provided. Collection method: clinical testing. Allele origin: unknown. Not counted in ClinVar's aggregate classification.

Literature cited by the submitters: PubMed 16199547 (cited by Labcorp Genetics (formerly Invitae), Labcorp); PubMed 10330339 (cited by Labcorp Genetics (formerly Invitae), Labcorp); PubMed 31440721 (cited by Labcorp Genetics (formerly Invitae), Labcorp).

NM_000391.4(TPP1):c.1145+1G>A

Gene: TPP1 (tripeptidyl peptidase 1; minus strand). Cytogenetic location: 11p15.4.
Variant type: single nucleotide variant.
Coding change: c.1145+1G>A on transcript NM_000391.4 (MANE Select); the canonical splice donor site of the intron after coding-DNA position 1145, G replaced by A.
Molecular consequence: splice donor variant.
Genome position (GRCh38, 1-based): chr11:6,616,004, C>T on the plus strand (G>A on the coding strand, the complement: TPP1 is on the minus strand). VCF-style: chr11-6616004-C-T. GRCh37 (hg19) VCF-style: chr11-6637235-C-T.
Identifiers: ClinVar variation 370180 (VCV000370180.10), dbSNP rs113019349, ClinGen allele CA16041513.
Genomic context (GRCh38, chr11:6,616,004, plus strand): 5'-CATCATGAGATCACAAGTGAAAGGTGGTGGTTATACCTGAGTGGTAGGCTAGAGTACTTA[C>T]CTGGAGGCAGGGAAGGTAGGGCGGAACTGGTGTCTTCCAGAGACAGACCAACACCCGGCC-3'